The following is an entry in ClinVar:

NM_001007553.3(CSDE1):c.1975C>A (p.Leu659Met)

Gene: CSDE1 (cold shock domain containing E1; minus strand). Cytogenetic location: 1p13.2.
Variant type: single nucleotide variant.
Coding change: c.1975C>A on transcript NM_001007553.3 (MANE Select); coding-DNA position 1975, C replaced by A.
Protein change: p.Leu659Met; replaces leucine 659 with methionine.
Molecular consequence: missense variant.
Genome position (GRCh38, 1-based): chr1:114,720,616, G>T on the plus strand (C>A on the coding strand, the complement: CSDE1 is on the minus strand). VCF-style: chr1-114720616-G-T. GRCh37 (hg19) VCF-style: chr1-115263237-G-T.
Other names: c.2020C>A, p.Leu674Met (NM_001130523.3); c.2113C>A, p.Leu705Met (NM_001242891.2); c.1975C>A, p.Leu659Met (NM_001242892.2); c.1882C>A, p.Leu628Met (NM_001242893.2, NM_007158.6); short protein forms L628M, L659M, L674M, L705M.
Identifiers: ClinVar variation 4529944 (VCV004529944.1).

ClinVar aggregate classification (germline): Uncertain significance (1 of 4 stars; one submission).

Submission:

GeneDx
Classification: Uncertain significance. Last evaluated: 2025-05-12. Review status: criteria provided, single submitter. Criteria: GeneDx Variant Classification Process June 2021. Collection method: clinical testing. Allele origin: germline. Affected: yes.
Comment: Not observed at significant frequency in large population cohorts (gnomAD); In silico analysis suggests that this missense variant does not alter protein structure/function; Has not been previously published as pathogenic or benign to our knowledge